The following is an entry in ClinVar:

NM_001035.3(RYR2):c.3920C>T (p.Pro1307Leu)

Genes: RYR2 (ryanodine receptor 2; plus strand), LOC126806067 (BRD4-independent group 4 enhancer GRCh37_chr1:237753258-237754457; plus strand). Cytogenetic location: 1q43.
Variant type: single nucleotide variant.
Coding change: c.3920C>T on transcript NM_001035.3 (MANE Select); coding-DNA position 3920, C replaced by T.
Protein change: p.Pro1307Leu; replaces proline 1307 with leucine.
Molecular consequence: missense variant.
Genome position (GRCh38, 1-based): chr1:237,590,752, C>T. VCF-style: chr1-237590752-C-T. GRCh37 (hg19) VCF-style: chr1-237754052-C-T.
Other names: c.3920C>T, p.Pro1307Leu (LRG_402t1); short protein forms P1307L.
Identifiers: ClinVar variation 572992 (VCV000572992.16), dbSNP rs1412253468, ClinGen allele CA345397364.

ClinVar aggregate classification (germline): Uncertain significance. Review status: criteria provided, multiple submitters, no conflicts (2 of 4 stars). 5 submissions from 5 submitters: Uncertain significance (5). Last evaluated 2025-06-25.

Conditions:
Catecholaminergic polymorphic ventricular tachycardia 1. Also called: RYR2-Related Catecholaminergic Polymorphic Ventricular Tachycardia; VENTRICULAR TACHYCARDIA, CATECHOLAMINERGIC POLYMORPHIC, 1, WITH OR WITHOUT ATRIAL DYSFUNCTION AND/OR DILATED CARDIOMYOPATHY; VENTRICULAR TACHYCARDIA, STRESS-INDUCED POLYMORPHIC 1. Identifiers: Orphanet 3286, MedGen C1631597, MONDO:0011484, OMIM 604772.
Cardiovascular phenotype. Identifiers: MedGen CN230736.
Cardiomyopathy (CMYO). Also called: Cardiomyopathies. Identifiers: Orphanet 167848, MedGen C0878544, MONDO:0004994, HP:0001638. Inheritance: Various modes of inheritance.
Catecholaminergic polymorphic ventricular tachycardia (CVPT). Also called: Catecholamine-induced polymorphic ventricular tachycardia. Identifiers: Orphanet 3286, MedGen C5574922, MONDO:0017990.

Allele frequency attached by ClinVar (database versions not stated): gnomAD exomes below 0.00001; gnomAD 0.00001; TOPMed 0.00002.
gnomAD v4.1: 7 of 1,613,592 alleles (0.00043%); highest among the groups gnomAD compares: Middle Eastern, 0.016%; no homozygotes.

Submissions (5):

Color Diagnostics, LLC DBA Color Health
Classification: Uncertain significance for Cardiomyopathy. Last evaluated: 2025-06-25. Review status: criteria provided, single submitter. Criteria: ACMG Guidelines, 2015. Collection method: clinical testing. Allele origin: germline.
Comment: This missense variant replaces proline with leucine at codon 1307 of the RYR2 protein. Computational prediction suggests that this variant may have deleterious impact on protein structure and function. To our knowledge, functional studies have not been reported for this variant. This variant has not been reported in individuals affected with RYR2-related disorders in the literature. This variant has been identified in 2/280044 chromosomes in the general population by the Genome Aggregation Database (gnomAD). The available evidence is insufficient to determine the role of this variant in disease conclusively. Therefore, this variant is classified as a Variant of Uncertain Significance.

Labcorp Genetics (formerly Invitae), Labcorp
Classification: Uncertain significance for Catecholaminergic polymorphic ventricular tachycardia 1. Last evaluated: 2025-05-25. Review status: criteria provided, single submitter. Criteria: Invitae Variant Classification Sherloc (09022015). Collection method: clinical testing. Allele origin: germline.
Comment: This sequence change replaces proline, which is neutral and non-polar, with leucine, which is neutral and non-polar, at codon 1307 of the RYR2 protein (p.Pro1307Leu). This variant is present in population databases (no rsID available, gnomAD 0.003%). This variant has not been reported in the literature in individuals affected with RYR2-related conditions. ClinVar contains an entry for this variant (Variation ID: 572992). Invitae Evidence Modeling of protein sequence and biophysical properties (such as structural, functional, and spatial information, amino acid conservation, physicochemical variation, residue mobility, and thermodynamic stability) indicates that this missense variant is expected to disrupt RYR2 protein function with a positive predictive value of 95%. In summary, the available evidence is currently insufficient to determine the role of this variant in disease. Therefore, it has been classified as a Variant of Uncertain Significance.

Ambry Genetics
Classification: Uncertain significance for Cardiovascular phenotype. Last evaluated: 2024-02-15. Review status: criteria provided, single submitter. Criteria: Ambry Variant Classification Scheme 2023. Collection method: clinical testing. Allele origin: germline.
Comment: The p.P1307L variant (also known as c.3920C>T), located in coding exon 31 of the RYR2 gene, results from a C to T substitution at nucleotide position 3920. The proline at codon 1307 is replaced by leucine, an amino acid with similar properties. This amino acid position is highly conserved in available vertebrate species. In addition, this alteration is predicted to be deleterious by in silico analysis. Based on the available evidence, the clinical significance of this alteration remains unclear.

All of Us Research Program, National Institutes of Health
Classification: Uncertain significance for Catecholaminergic polymorphic ventricular tachycardia. Last evaluated: 2023-05-31. Review status: criteria provided, single submitter. Criteria: ACMG Guidelines, 2015. Collection method: clinical testing. Allele origin: germline. Inheritance: Autosomal dominant inheritance. Observed: 1 variant allele, 1 heterozygote.
Comment: This variant is located in the RYR2 protein. Computational prediction suggests that this variant may have deleterious impact on protein structure and function (internally defined REVEL score threshold >= 0.7, PMID: 27666373). To our knowledge, functional studies have not been reported for this variant. This variant has not been reported in individuals affected with cardiovascular disorders in the literature. This variant has been identified in 2/280044 chromosomes in the general population by the Genome Aggregation Database (gnomAD). The available evidence is insufficient to determine the role of this variant in disease conclusively. Therefore, this variant is classified as a Variant of Uncertain Significance.

This study involves interpretation of variants in research participants for the purpose of population health screening. Participant phenotype was not available at the time of variant classification. Additional details can be found in publication PMID: 35346344, PMCID: PMC8962531

AiLife Diagnostics
Classification: Uncertain significance. Last evaluated: 2021-12-03. Review status: criteria provided, single submitter. Criteria: ACMG Guidelines, 2015. Collection method: clinical testing. Allele origin: germline. Affected: yes. Observed: 2 variant alleles.